The following is an entry in ClinVar:

ClinVar aggregate classification (germline): Benign/Likely benign. Review status: criteria provided, multiple submitters, no conflicts (2 of 4 stars). 5 submissions from 5 submitters: Benign (2); Likely benign (2). 1 of the submissions does not count toward it. Last evaluated 2026-04-01.

Conditions:
KARS1-related disorder. Also called: KARS1-related disorders.

Allele frequency attached by ClinVar (database versions not stated): gnomAD 0.00026 and 0.00033; TOPMed 0.00053; ExAC 0.00056; gnomAD exomes 0.00066; 1000 Genomes Project 0.00120; 1000 Genomes Project 30x 0.00125.
gnomAD v4.1: 414 of 1,585,330 alleles (0.026%); highest among the groups gnomAD compares: East Asian, 0.74%; 6 homozygotes.

Submissions (5):

CeGaT Center for Human Genetics Tuebingen
Classification: Likely benign. Last evaluated: 2026-04-01. Review status: criteria provided, single submitter. Criteria: CeGaT Center For Human Genetics Tuebingen Variant Classification Criteria Version 2. Collection method: clinical testing. Allele origin: germline. Affected: yes. Observed: 1 variant allele.
Comment: KARS1: BP4, BP7

Labcorp Genetics (formerly Invitae), Labcorp
Classification: Benign. Last evaluated: 2025-11-24. Review status: criteria provided, single submitter. Criteria: Invitae Variant Classification Sherloc (09022015). Collection method: clinical testing. Allele origin: germline.

Blueprint Genetics
Classification: Likely benign. Last evaluated: 2024-08-27. Review status: criteria provided, single submitter. Criteria: ACMG Guidelines, 2015. Collection method: clinical testing. Allele origin: germline.

GeneDx
Classification: Benign. Last evaluated: 2018-12-06. Review status: criteria provided, single submitter. Criteria: GeneDx Variant Classification Process June 2021. Collection method: clinical testing. Allele origin: germline. Affected: yes.

PreventionGenetics, part of Exact Sciences
Classification: Benign for KARS1-related condition. Last evaluated: 2019-06-04. Review status: no assertion criteria provided. Collection method: clinical testing. Allele origin: germline. Not counted in ClinVar's aggregate classification.
Comment: This variant is classified as benign based on ACMG/AMP sequence variant interpretation guidelines (Richards et al. 2015 PMID: 25741868, with internal and published modifications).

NM_005548.3(KARS1):c.1782C>T (p.Gly594=)

Gene: KARS1 (lysyl-tRNA synthetase 1; minus strand). Cytogenetic location: 16q23.1.
Variant type: single nucleotide variant.
Coding change: c.1782C>T on transcript NM_005548.3 (MANE Select); coding-DNA position 1782, C replaced by T.
Protein change: p.Gly594=; no amino-acid change (glycine 594 retained).
Molecular consequence: synonymous variant.
Genome position (GRCh38, 1-based): chr16:75,627,907, G>A on the plus strand (C>T on the coding strand, the complement: KARS1 is on the minus strand). VCF-style: chr16-75627907-G-A. GRCh37 (hg19) VCF-style: chr16-75661805-G-A.
Other names: c.1866C>T, p.Gly622= (NM_001130089.2); c.1314C>T, p.Gly438= (NM_001378148.1).
Identifiers: ClinVar variation 1225810 (VCV001225810.16), dbSNP rs191584337, ClinGen allele CA8177118.